The following is an entry in ClinVar:

ClinVar aggregate classification (germline): Uncertain significance. Review status: criteria provided, multiple submitters, no conflicts (2 of 4 stars). 2 submissions from 2 submitters: Uncertain significance (2). Last evaluated 2022-09-27.

Submissions (2):

Labcorp Genetics (formerly Invitae), Labcorp
Classification: Uncertain significance. Last evaluated: 2022-09-27. Review status: criteria provided, single submitter. Criteria: Invitae Variant Classification Sherloc (09022015). Collection method: clinical testing. Allele origin: germline.
Comment: Algorithms developed to predict the effect of missense changes on protein structure and function (SIFT, PolyPhen-2, Align-GVGD) all suggest that this variant is likely to be disruptive. ClinVar contains an entry for this variant (Variation ID: 1678082). This variant has not been reported in the literature in individuals affected with CSF1R-related conditions. This variant is not present in population databases (gnomAD no frequency). This sequence change replaces glycine, which is neutral and non-polar, with valine, which is neutral and non-polar, at codon 585 of the CSF1R protein (p.Gly585Val). Algorithms developed to predict the effect of sequence changes on RNA splicing suggest that this variant may disrupt the consensus splice site. In summary, the available evidence is currently insufficient to determine the role of this variant in disease. Therefore, it has been classified as a Variant of Uncertain Significance.

AiLife Diagnostics
Classification: Uncertain significance. Last evaluated: 2022-03-29. Review status: criteria provided, single submitter. Criteria: ACMG Guidelines, 2015. Collection method: clinical testing. Allele origin: germline. Affected: yes. Observed: 1 variant allele.

NM_001288705.3(CSF1R):c.1754G>T (p.Gly585Val)

Gene: CSF1R (colony stimulating factor 1 receptor; minus strand). Cytogenetic location: 5q32.
Variant type: single nucleotide variant.
Coding change: c.1754G>T on transcript NM_001288705.3 (MANE Select); coding-DNA position 1754, G replaced by T.
Protein change: p.Gly585Val; replaces glycine 585 with valine.
Molecular consequence: missense variant. On other transcripts: non-coding transcript variant (2).
Genome position (GRCh38, 1-based): chr5:150,061,595, C>A on the plus strand (G>T on the coding strand, the complement: CSF1R is on the minus strand). VCF-style: chr5-150061595-C-A. GRCh37 (hg19) VCF-style: chr5-149441158-C-A.
Other names: c.1754G>T, p.Gly585Val (NM_001349736.2, NM_001375320.1, NM_005211.4); c.1310G>T, p.Gly437Val (NM_001375321.1); short protein forms G437V, G585V.
Identifiers: ClinVar variation 1678082 (VCV001678082.6), dbSNP rs2113792136, ClinGen allele CA361714204.